The following is an entry in ClinVar:

ClinVar aggregate classification (germline): Uncertain significance. Review status: criteria provided, multiple submitters, no conflicts (2 of 4 stars). 2 submissions from 2 submitters: Uncertain significance (2). Last evaluated 2025-08-25.

Conditions:
H syndrome. Also called: Histiocytosis with joint contractures and sensorineural deafness; HISTIOCYTOSIS AND LYMPHADENOPATHY WITH OR WITHOUT CUTANEOUS, CARDIAC, AND/OR ENDOCRINE FEATURES, JOINT CONTRACTURES, AND/OR DEAFNESS; HYPERPIGMENTATION, CUTANEOUS, WITH HYPERTRICHOSIS, HEPATOSPLENOMEGALY, HEART ANOMALIES, AND HYPOGONADISM WITH OR WITHOUT HEARING LOSS; PIGMENTED HYPERTRICHOSIS WITH INSULIN-DEPENDENT DIABETES MELLITUS; ROSAI-DORFMAN DISEASE, FAMILIAL; SINUS HISTIOCYTOSIS AND MASSIVE LYMPHADENOPATHY. Identifiers: Orphanet 168569, MedGen C1864445, MONDO:0011273, OMIM 602782.
Inborn genetic diseases. Identifiers: MedGen C0950123, MeSH D030342.

Allele frequency attached by ClinVar (database versions not stated): gnomAD exomes 0.00001; TOPMed 0.00001.

Submissions (2):

Ambry Genetics
Classification: Uncertain significance for Inborn genetic diseases. Last evaluated: 2025-08-25. Review status: criteria provided, single submitter. Criteria: Ambry Variant Classification Scheme 2023. Collection method: clinical testing. Allele origin: germline.

Labcorp Genetics (formerly Invitae), Labcorp
Classification: Uncertain significance for H syndrome. Last evaluated: 2022-11-14. Review status: criteria provided, single submitter. Criteria: Invitae Variant Classification Sherloc (09022015). Collection method: clinical testing. Allele origin: germline.
Comment: In summary, the available evidence is currently insufficient to determine the role of this variant in disease. Therefore, it has been classified as a Variant of Uncertain Significance. Advanced modeling of protein sequence and biophysical properties (such as structural, functional, and spatial information, amino acid conservation, physicochemical variation, residue mobility, and thermodynamic stability) performed at Invitae indicates that this missense variant is not expected to disrupt SLC29A3 protein function. This variant has not been reported in the literature in individuals affected with SLC29A3-related conditions. This variant is not present in population databases (gnomAD no frequency). This sequence change replaces tyrosine, which is neutral and polar, with histidine, which is basic and polar, at codon 323 of the SLC29A3 protein (p.Tyr323His).

NM_018344.6(SLC29A3):c.967T>C (p.Tyr323His)

Gene: SLC29A3 (solute carrier family 29 member 3; plus strand). Cytogenetic location: 10q22.1.
Variant type: single nucleotide variant.
Coding change: c.967T>C on transcript NM_018344.6 (MANE Select); coding-DNA position 967, T replaced by C.
Protein change: p.Tyr323His; replaces tyrosine 323 with histidine.
Molecular consequence: missense variant. On other transcripts: 3 prime UTR variant (1), non-coding transcript variant (2).
Genome position (GRCh38, 1-based): chr10:71,362,147, T>C. VCF-style: chr10-71362147-T-C. GRCh37 (hg19) VCF-style: chr10-73121904-T-C.
Other names: c.*196T>C (NM_001174098.2); c.733T>C, p.Tyr245His (NM_001363518.2); c.967T>C (NM_018344.5); short protein forms Y323H, Y245H.
Identifiers: ClinVar variation 2890191 (VCV002890191.2), dbSNP rs1026895082, ClinGen allele CA209387905.